The following is an entry in ClinVar:

NM_000051.4(ATM):c.7928-5T>C

Genes: ATM (ATM serine/threonine kinase; plus strand), C11orf65 (chromosome 11 open reading frame 65; minus strand). Cytogenetic location: 11q22.3.
Variant type: single nucleotide variant.
Coding change: c.7928-5T>C on transcript NM_000051.4 (MANE Select); 5 bases into the intron before coding-DNA position 7928, T replaced by C.
Molecular consequence: intron variant.
Genome position (GRCh38, 1-based): chr11:108,333,881, T>C. VCF-style: chr11-108333881-T-C. GRCh37 (hg19) VCF-style: chr11-108204608-T-C.
Other names: c.7928-5T>C (NM_001351834.2); c.641-24810A>G (NM_001330368.2); c.*38+1339A>G (NM_001351110.2).
Identifiers: ClinVar variation 827338 (VCV000827338.11), dbSNP rs1591183992, ClinGen allele CA915948304.

ClinVar aggregate classification (germline): Conflicting classifications of pathogenicity. Review status: criteria provided, conflicting classifications (1 of 4 stars). 2 submissions from 2 submitters: Uncertain significance (1); Likely benign (1). Last evaluated 2024-08-22.

Conditions:
Hereditary cancer-predisposing syndrome. Also called: Tumor predisposition; Neoplastic Syndromes, Hereditary; Hereditary Cancer Syndrome; Hereditary neoplastic syndrome. Identifiers: Orphanet 140162, MedGen C0027672, MeSH D009386, MONDO:0015356.
Ataxia-telangiectasia syndrome (AT). Also called: ATAXIA-TELANGIECTASIA, COMPLEMENTATION GROUP A; ATAXIA-TELANGIECTASIA, FRESNO VARIANT; Ataxia-telangiectasia; Ataxia-telangiectasia, complementation group D; AT, COMPLEMENTATION GROUP C; Ataxia-telangiectasia, complementation group E. Identifiers: Orphanet 100, MedGen C0004135, MONDO:0008840, OMIM 208900.

Allele frequency attached by ClinVar (database versions not stated): gnomAD exomes below 0.00001.
gnomAD v4.1: 2 of 1,597,528 alleles (0.00013%); highest among the groups gnomAD compares: Non-Finnish European, 0.00017%; no homozygotes.

Submissions (2):

Ambry Genetics
Classification: Uncertain significance for Hereditary cancer-predisposing syndrome. Last evaluated: 2024-08-22. Review status: criteria provided, single submitter. Criteria: Ambry Variant Classification Scheme 2023. Collection method: clinical testing. Allele origin: germline.
Comment: The c.7928-5T>C intronic variant results from a T to C substitution 5 nucleotides upstream from coding exon 53 in the ATM gene. This nucleotide position is well conserved in available vertebrate species. In silico splice site analysis for this alteration is inconclusive. Based on the available evidence, the clinical significance of this variant remains unclear.

Labcorp Genetics (formerly Invitae), Labcorp
Classification: Likely benign for Ataxia-telangiectasia syndrome. Last evaluated: 2022-06-10. Review status: criteria provided, single submitter. Criteria: Invitae Variant Classification Sherloc (09022015). Collection method: clinical testing. Allele origin: germline.